The following is an entry in ClinVar:

NM_000465.4(BARD1):c.2076T>A (p.Ile692=)

Gene: BARD1 (BRCA1 associated RING domain 1; minus strand). Cytogenetic location: 2q35.
Variant type: single nucleotide variant.
Coding change: c.2076T>A on transcript NM_000465.4 (MANE Select); coding-DNA position 2076, T replaced by A.
Protein change: p.Ile692=; no amino-acid change (isoleucine 692 retained).
Molecular consequence: synonymous variant. On other transcripts: non-coding transcript variant (3).
Genome position (GRCh38, 1-based): chr2:214,728,934, A>T on the plus strand (T>A on the coding strand, the complement: BARD1 is on the minus strand). VCF-style: chr2-214728934-A-T. GRCh37 (hg19) VCF-style: chr2-215593658-A-T.
Other names: c.2019T>A, p.Ile673= (NM_001282543.2); c.723T>A, p.Ile241= (NM_001282545.2); c.666T>A, p.Ile222= (NM_001282548.2); c.537T>A, p.Ile179= (NM_001282549.2).
Identifiers: ClinVar variation 1158252 (VCV001158252.13), dbSNP rs587781316, ClinGen allele CA431393892.

ClinVar aggregate classification (germline): Benign/Likely benign. Review status: criteria provided, multiple submitters, no conflicts (2 of 4 stars). 3 submissions from 3 submitters: Benign (1); Likely benign (2). Last evaluated 2025-11-17.

Conditions:
Familial cancer of breast. Also called: hereditary breast carcinoma; Hereditary breast cancer; BREAST CANCER, FAMILIAL. Identifiers: Orphanet 227535, MedGen C0346153, MONDO:0016419, OMIM 114480. Disease mechanism: loss of function.
Hereditary cancer-predisposing syndrome. Also called: Tumor predisposition; Neoplastic Syndromes, Hereditary; Hereditary Cancer Syndrome; Hereditary neoplastic syndrome. Identifiers: Orphanet 140162, MedGen C0027672, MeSH D009386, MONDO:0015356.

Submissions (3):

Labcorp Genetics (formerly Invitae), Labcorp
Classification: Likely benign for Familial cancer of breast. Last evaluated: 2025-11-17. Review status: criteria provided, single submitter. Criteria: Invitae Variant Classification Sherloc (09022015). Collection method: clinical testing. Allele origin: germline.

Myriad Genetics, Inc.
Classification: Benign for Familial cancer of breast. Last evaluated: 2024-07-29. Review status: criteria provided, single submitter. Criteria: Myriad Autosomal Dominant, Autosomal Recessive and X-Linked Classification Criteria (2023). Collection method: clinical testing. Allele origin: unknown.
Comment: This variant is considered benign. This variant is a silent/synonymous amino acid change and it is not expected to impact splicing.

Ambry Genetics
Classification: Likely benign for Hereditary cancer-predisposing syndrome. Last evaluated: 2020-07-30. Review status: criteria provided, single submitter. Criteria: Ambry Variant Classification Scheme 2023. Collection method: clinical testing. Allele origin: germline.